The following is an entry in ClinVar:

ClinVar aggregate classification (germline): Likely benign (1 of 4 stars; one submission).

Conditions:
CREBBP-related disorder. Also called: CREBBP-related disorders; CREBBP-related condition.

Submission:

PreventionGenetics, part of Exact Sciences
Classification: Likely benign for CREBBP-related condition. Last evaluated: 2025-01-30. Review status: criteria provided, single submitter. Criteria: ACMG Guidelines, 2015. Collection method: clinical testing. Allele origin: germline.
Comment: This variant is classified as likely benign based on ACMG/AMP sequence variant interpretation guidelines (Richards et al. 2015 PMID: 25741868, with internal and published modifications).

NM_004380.3(CREBBP):c.4280+5T>G

Gene: CREBBP (CREB binding lysine acetyltransferase; minus strand). Cytogenetic location: 16p13.3.
Variant type: single nucleotide variant.
Coding change: c.4280+5T>G on transcript NM_004380.3 (MANE Select); 5 bases into the intron after coding-DNA position 4280, T replaced by G.
Molecular consequence: intron variant.
Genome position (GRCh38, 1-based): chr16:3,739,573, A>C on the plus strand (T>G on the coding strand, the complement: CREBBP is on the minus strand). VCF-style: chr16-3739573-A-C. GRCh37 (hg19) VCF-style: chr16-3789574-A-C.
Other names: c.4166+5T>G (NM_001079846.1).
Identifiers: ClinVar variation 5000442 (VCV005000442.1).